The following is an entry in ClinVar:

NM_014639.4(SKIC3):c.1037T>G (p.Leu346Arg)

Gene: SKIC3 (SKI3 subunit of superkiller complex; minus strand). Cytogenetic location: 5q15.
Variant type: single nucleotide variant.
Coding change: c.1037T>G on transcript NM_014639.4 (MANE Select); coding-DNA position 1037, T replaced by G.
Protein change: p.Leu346Arg; replaces leucine 346 with arginine.
Molecular consequence: missense variant.
Genome position (GRCh38, 1-based): chr5:95,528,110, A>C on the plus strand (T>G on the coding strand, the complement: SKIC3 is on the minus strand). VCF-style: chr5-95528110-A-C. GRCh37 (hg19) VCF-style: chr5-94863814-A-C.
Other names: short protein forms L346R.
Identifiers: ClinVar variation 1422961 (VCV001422961.5), dbSNP rs747578721, ClinGen allele CA3347440.

ClinVar aggregate classification (germline): Uncertain significance (1 of 4 stars; one submission).

Allele frequency attached by ClinVar (database versions not stated): TOPMed 0.00003; gnomAD 0.00005; gnomAD exomes 0.00007; ExAC 0.00008.
gnomAD v4.1: 55 of 1,613,748 alleles (0.0034%); highest among the groups gnomAD compares: Non-Finnish European, 0.00076%; no homozygotes.

Submission:

Labcorp Genetics (formerly Invitae), Labcorp
Classification: Uncertain significance. Last evaluated: 2022-04-23. Review status: criteria provided, single submitter. Criteria: Invitae Variant Classification Sherloc (09022015). Collection method: clinical testing. Allele origin: germline.
Comment: This sequence change replaces leucine, which is neutral and non-polar, with arginine, which is basic and polar, at codon 346 of the TTC37 protein (p.Leu346Arg). This variant is present in population databases (rs747578721, gnomAD 0.2%). This variant has not been reported in the literature in individuals affected with TTC37-related conditions. Algorithms developed to predict the effect of missense changes on protein structure and function output the following: SIFT: "Deleterious"; PolyPhen-2: "Benign"; Align-GVGD: "Class C0". The arginine amino acid residue is found in multiple mammalian species, which suggests that this missense change does not adversely affect protein function. In summary, the available evidence is currently insufficient to determine the role of this variant in disease. Therefore, it has been classified as a Variant of Uncertain Significance.